The following is an entry in ClinVar:

ClinVar aggregate classification (germline): Uncertain significance. Review status: criteria provided, multiple submitters, no conflicts (2 of 4 stars). 2 submissions from 2 submitters: Uncertain significance (2). Last evaluated 2025-10-22.

Conditions:
Inborn genetic diseases. Identifiers: MedGen C0950123, MeSH D030342.

Allele frequency attached by ClinVar (database versions not stated): gnomAD 0.00001; gnomAD exomes 0.00001.
gnomAD v4.1: 11 of 1,189,301 alleles (0.00092%); highest among the groups gnomAD compares: African/African-American, 0.0018%; no homozygotes.

Submissions (2):

Labcorp Genetics (formerly Invitae), Labcorp
Classification: Uncertain significance. Last evaluated: 2025-10-22. Review status: criteria provided, single submitter. Criteria: Invitae Variant Classification Sherloc (09022015). Collection method: clinical testing. Allele origin: germline.
Comment: This sequence change replaces leucine, which is neutral and non-polar, with valine, which is neutral and non-polar, at codon 37 of the PHEX protein (p.Leu37Val). This variant is not present in population databases (gnomAD no frequency). This variant has not been reported in the literature in individuals affected with PHEX-related conditions. ClinVar contains an entry for this variant (Variation ID: 2056566). Invitae Evidence Modeling of protein sequence and biophysical properties (such as structural, functional, and spatial information, amino acid conservation, physicochemical variation, residue mobility, and thermodynamic stability) has been performed for this missense variant. However, the output from this modeling did not meet the statistical confidence thresholds required to predict the impact of this variant on PHEX protein function. In summary, the available evidence is currently insufficient to determine the role of this variant in disease. Therefore, it has been classified as a Variant of Uncertain Significance.

Ambry Genetics
Classification: Uncertain significance for Inborn genetic diseases. Last evaluated: 2024-01-03. Review status: criteria provided, single submitter. Criteria: Ambry Variant Classification Scheme 2023. Collection method: clinical testing. Allele origin: germline.

NM_000444.6(PHEX):c.109C>G (p.Leu37Val)

Gene: PHEX (phosphate regulating endopeptidase X-linked; plus strand). Cytogenetic location: Xp22.11.
Variant type: single nucleotide variant.
Coding change: c.109C>G on transcript NM_000444.6 (MANE Select); coding-DNA position 109, C replaced by G.
Protein change: p.Leu37Val; replaces leucine 37 with valine.
Molecular consequence: missense variant.
Genome position (GRCh38, 1-based): chrX:22,033,114, C>G. VCF-style: chrX-22033114-C-G. GRCh37 (hg19) VCF-style: chrX-22051232-C-G.
Other names: c.109C>G, p.Leu37Val (NM_001282754.2); c.109C>G (NM_000444.4); short protein forms L37V.
Identifiers: ClinVar variation 2056566 (VCV002056566.5), dbSNP rs1328468097, ClinGen allele CA412564349.